The following is an entry in ClinVar:

NM_000143.4(FH):c.604G>A (p.Glu202Lys)

Gene: FH (fumarate hydratase; minus strand). Cytogenetic location: 1q43.
Variant type: single nucleotide variant.
Coding change: c.604G>A on transcript NM_000143.4 (MANE Select); coding-DNA position 604, G replaced by A.
Protein change: p.Glu202Lys; replaces glutamic acid 202 with lysine.
Molecular consequence: missense variant.
Genome position (GRCh38, 1-based): chr1:241,508,737, C>T on the plus strand (G>A on the coding strand, the complement: FH is on the minus strand). VCF-style: chr1-241508737-C-T. GRCh37 (hg19) VCF-style: chr1-241672037-C-T.
Other names: short protein forms E202K.
Identifiers: ClinVar variation 1751274 (VCV001751274.9), dbSNP rs2147919639, ClinGen allele CA345439412.

ClinVar aggregate classification (germline): Uncertain significance. Review status: criteria provided, multiple submitters, no conflicts (2 of 4 stars). 2 submissions from 2 submitters: Uncertain significance (2). Last evaluated 2026-03-06.

Conditions:
Hereditary cancer-predisposing syndrome. Also called: Tumor predisposition; Hereditary Cancer Syndrome; Hereditary neoplastic syndrome; Neoplastic Syndromes, Hereditary. Identifiers: Orphanet 140162, MedGen C0027672, MeSH D009386, MONDO:0015356.

Submissions (2):

Ambry Genetics
Classification: Uncertain significance for Hereditary cancer-predisposing syndrome. Last evaluated: 2026-03-06. Review status: criteria provided, single submitter. Criteria: Ambry Variant Classification Scheme 2023. Collection method: clinical testing. Allele origin: germline.
Comment: The p.E202K variant (also known as c.604G>A), located in coding exon 5 of the FH gene, results from a G to A substitution at nucleotide position 604. The glutamic acid at codon 202 is replaced by lysine, an amino acid with similar properties. This amino acid position is highly conserved in available vertebrate species. In addition, this alteration is predicted to be deleterious by in silico analysis. Based on the available evidence, the clinical significance of this variant remains unclear.

Labcorp Genetics (formerly Invitae), Labcorp
Classification: Uncertain significance. Last evaluated: 2025-11-13. Review status: criteria provided, single submitter. Criteria: Invitae Variant Classification Sherloc (09022015). Collection method: clinical testing. Allele origin: germline.
Comment: This sequence change replaces glutamic acid, which is acidic and polar, with lysine, which is basic and polar, at codon 202 of the FH protein (p.Glu202Lys). This variant is not present in population databases (gnomAD no frequency). This variant has not been reported in the literature in individuals affected with FH-related conditions. ClinVar contains an entry for this variant (Variation ID: 1751274). Invitae Evidence Modeling of protein sequence and biophysical properties (such as structural, functional, and spatial information, amino acid conservation, physicochemical variation, residue mobility, and thermodynamic stability) indicates that this missense variant is expected to disrupt FH protein function with a positive predictive value of 95%. In summary, the available evidence is currently insufficient to determine the role of this variant in disease. Therefore, it has been classified as a Variant of Uncertain Significance.